The following is an entry in ClinVar:

ClinVar aggregate classification (germline): Uncertain significance (1 of 4 stars; one submission).

Conditions:
MTFMT-related disorder. Also called: MTFMT-related condition.

Submission:

PreventionGenetics, part of Exact Sciences
Classification: Uncertain significance for MTFMT-related condition. Last evaluated: 2026-08-19. Review status: criteria provided, single submitter. Criteria: ACMG Guidelines, 2015. Collection method: clinical testing. Allele origin: germline.
Comment: The MTFMT c.925G>C variant is predicted to result in the amino acid substitution p.Gly309Arg. To our knowledge, this variant has not been reported in the literature or in a large population database (gnomAD), indicating this variant is rare. At this time, the clinical significance of this variant is uncertain due to the absence of conclusive functional and genetic evidence.

NM_139242.4(MTFMT):c.925G>C (p.Gly309Arg)

Gene: MTFMT (mitochondrial methionyl-tRNA formyltransferase; minus strand). Cytogenetic location: 15q22.31.
Variant type: single nucleotide variant.
Coding change: c.925G>C on transcript NM_139242.4 (MANE Select); coding-DNA position 925, G replaced by C.
Protein change: p.Gly309Arg; replaces glycine 309 with arginine.
Molecular consequence: missense variant.
Genome position (GRCh38, 1-based): chr15:65,004,904, C>G on the plus strand (G>C on the coding strand, the complement: MTFMT is on the minus strand). VCF-style: chr15-65004904-C-G. GRCh37 (hg19) VCF-style: chr15-65297242-C-G.
Other names: short protein forms G309R.
Identifiers: ClinVar variation 4996479 (VCV004996479.1).